The following is an entry in ClinVar:

ClinVar aggregate classification (germline): Uncertain significance (1 of 4 stars; one submission).

Conditions:
SHANK1-related Neurodevelopmental Disorder.

Allele frequency attached by ClinVar (database versions not stated): ExAC 0.00001; 1000 Genomes Project 30x 0.00016; TOPMed 0.00002; gnomAD 0.00003; 1000 Genomes Project 0.00020.
gnomAD v4.1: 4 of 1,614,114 alleles (0.00025%); highest among the groups gnomAD compares: African/African-American, 0.0053%; no homozygotes.

Submission:

New York Genome Center
Classification: Uncertain significance for SHANK1-related Neurodevelopmental Disorder. Last evaluated: 2023-07-31. Review status: criteria provided, single submitter. Criteria: NYGC Assertion Criteria 2020. Collection method: clinical testing. Allele origin: inherited. Observed: 1 heterozygote.
Comment: The c.1118A>G variant in SHANK1 has not previously been reported in the literature or public variant repositories (ClinVar and LOVD). The c.1118A>G variant is observed in 9 alleles (~0.0015% minor allele frequency with 0 homozygotes) in population databases (gnomAD v2.1.1 and v3.1.2, TOPMed Freeze 8, All of Us), suggesting it is not a common benign variant in the populations represented in those databases. The c.1118A>G variant in SHANK1 is located in exon 9 of this 24-exon gene and predicted to replace an evolutionarily conserved lysine amino acid with arginine at position 373 in the ANK domain [PMID: 34113010] of the encoded protein. In silico predictions are not in favor of damaging effect for p.(Lys373Arg)[(CADD v1.6 = 27, REVEL = 0.289)]. Based on available evidence this inherited c.1118A>G p.(Lys373Arg) variant identified in SHANK1 is classified as a Variant of Uncertain Significance.

NM_016148.5(SHANK1):c.1118A>G (p.Lys373Arg)

Gene: SHANK1 (SH3 and multiple ankyrin repeat domains 1; minus strand). Cytogenetic location: 19q13.33.
Variant type: single nucleotide variant.
Coding change: c.1118A>G on transcript NM_016148.5 (MANE Select); coding-DNA position 1118, A replaced by G.
Protein change: p.Lys373Arg; replaces lysine 373 with arginine.
Molecular consequence: missense variant.
Genome position (GRCh38, 1-based): chr19:50,704,474, T>C on the plus strand (A>G on the coding strand, the complement: SHANK1 is on the minus strand). VCF-style: chr19-50704474-T-C. GRCh37 (hg19) VCF-style: chr19-51207731-T-C.
Other names: short protein forms K373R.
Identifiers: ClinVar variation 2665019 (VCV002665019.1), dbSNP rs549254946, ClinGen allele CA9601971.